The following is an entry in ClinVar:

NM_001282534.2(KCNK9):c.815T>C (p.Val272Ala)

Gene: KCNK9 (potassium two pore domain channel subfamily K member 9; minus strand). Cytogenetic location: 8q24.3.
Variant type: single nucleotide variant.
Coding change: c.815T>C on transcript NM_001282534.2 (MANE Select); coding-DNA position 815, T replaced by C.
Protein change: p.Val272Ala; replaces valine 272 with alanine.
Molecular consequence: missense variant. On other transcripts: non-coding transcript variant (1).
Genome position (GRCh38, 1-based): chr8:139,618,568, A>G on the plus strand (T>C on the coding strand, the complement: KCNK9 is on the minus strand). VCF-style: chr8-139618568-A-G. GRCh37 (hg19) VCF-style: chr8-140630811-A-G.
Other names: short protein forms V272A.
Identifiers: ClinVar variation 4979225 (VCV004979225.1).

ClinVar aggregate classification (germline): Uncertain significance (1 of 4 stars; one submission).

Conditions:
KCNK9-related disorder. Also called: KCNK9-related condition.

gnomAD v4.1: 26 of 1,613,672 alleles (0.0016%); highest among the groups gnomAD compares: Non-Finnish European, 0.0021%; no homozygotes.

Submission:

PreventionGenetics, part of Exact Sciences
Classification: Uncertain significance for KCNK9-related condition. Last evaluated: 2025-01-10. Review status: criteria provided, single submitter. Criteria: ACMG Guidelines, 2015. Collection method: clinical testing. Allele origin: germline.
Comment: The KCNK9 c.815T>C variant is predicted to result in the amino acid substitution p.Val272Ala. To our knowledge, this variant has not been reported in the literature or in a large population database (gnomAD), indicating this variant is rare. At this time, the clinical significance of this variant is uncertain due to the absence of conclusive functional and genetic evidence.